The following is an entry in ClinVar:

NM_003024.3(ITSN1):c.1900G>A (p.Glu634Lys)

Gene: ITSN1 (intersectin 1; plus strand). Cytogenetic location: 21q22.11.
Variant type: single nucleotide variant.
Coding change: c.1900G>A on transcript NM_003024.3 (MANE Select); coding-DNA position 1900, G replaced by A.
Protein change: p.Glu634Lys; replaces glutamic acid 634 with lysine.
Molecular consequence: missense variant.
Genome position (GRCh38, 1-based): chr21:33,794,416, G>A. VCF-style: chr21-33794416-G-A. GRCh37 (hg19) VCF-style: chr21-35166720-G-A.
Other names: c.1900G>A, p.Glu634Lys (NM_001001132.2, NM_001331008.2, NM_001331009.2 and 2 more transcripts); c.1789G>A, p.Glu597Lys (NM_001331012.2); short protein forms E597K, E634K.
Identifiers: ClinVar variation 3365066 (VCV003365066.1).

ClinVar aggregate classification (germline): Uncertain significance (1 of 4 stars; one submission).

gnomAD v4.1: 1 of 1,613,756 alleles (0.000062%); highest among the groups gnomAD compares: Non-Finnish European, 0.000085%; no homozygotes.

Submission:

GeneDx
Classification: Uncertain significance. Last evaluated: 2023-11-30. Review status: criteria provided, single submitter. Criteria: GeneDx Variant Classification Process June 2021. Collection method: clinical testing. Allele origin: germline. Affected: yes.
Comment: Not observed at significant frequency in large population cohorts (gnomAD); In silico analysis supports that this missense variant does not alter protein structure/function; Has not been previously published as pathogenic or benign to our knowledge